The following is an entry in ClinVar:

NM_005502.4(ABCA1):c.503C>T (p.Thr168Ile)

Gene: ABCA1 (ATP binding cassette subfamily A member 1; minus strand). Cytogenetic location: 9q31.1.
Variant type: single nucleotide variant.
Coding change: c.503C>T on transcript NM_005502.4 (MANE Select); coding-DNA position 503, C replaced by T.
Protein change: p.Thr168Ile; replaces threonine 168 with isoleucine.
Molecular consequence: missense variant.
Genome position (GRCh38, 1-based): chr9:104,861,719, G>A on the plus strand (C>T on the coding strand, the complement: ABCA1 is on the minus strand). VCF-style: chr9-104861719-G-A. GRCh37 (hg19) VCF-style: chr9-107624000-G-A.
Other names: short protein forms T168I.
Identifiers: ClinVar variation 3490392 (VCV003490392.1).
Genomic context (GRCh38, chr9:104,861,719, plus strand): 5'-AGCTGGAGGCATCAGCTTACCTTGTGGAGAATGACATCAGCCCTCAGCATCTTGTCCACA[G>A]TAGACTTTGGGAGAGAGAGGTTGTGATACAGGAACCCAGAGAAGGTTTCATTGTCCACCA-3'
Protein context (NP_005493.2, residues 158-178): LYHNLSLPKS[Thr168Ile]VDKMLRADVI

ClinVar aggregate classification (germline): Uncertain significance (1 of 4 stars; one submission).

Conditions:
Cardiovascular phenotype. Identifiers: MedGen CN230736.

Submission:

Ambry Genetics
Classification: Uncertain significance for Cardiovascular phenotype. Last evaluated: 2024-10-19. Review status: criteria provided, single submitter. Criteria: Ambry Variant Classification Scheme 2023. Collection method: clinical testing. Allele origin: germline.
Comment: The p.T168I variant (also known as c.503C>T), located in coding exon 5 of the ABCA1 gene, results from a C to T substitution at nucleotide position 503. The threonine at codon 168 is replaced by isoleucine, an amino acid with similar properties. This amino acid position is conserved. In addition, this alteration is predicted to be tolerated by in silico analysis. Based on the available evidence, the clinical significance of this variant remains unclear.